The following is an entry in ClinVar:

NM_004656.4(BAP1):c.1253A>G (p.Tyr418Cys)

Gene: BAP1 (BRCA1 associated deubiquitinase 1; minus strand). Cytogenetic location: 3p21.1.
Variant type: single nucleotide variant.
Coding change: c.1253A>G on transcript NM_004656.4 (MANE Select); coding-DNA position 1253, A replaced by G.
Protein change: p.Tyr418Cys; replaces tyrosine 418 with cysteine.
Molecular consequence: missense variant.
Genome position (GRCh38, 1-based): chr3:52,403,892, T>C on the plus strand (A>G on the coding strand, the complement: BAP1 is on the minus strand). VCF-style: chr3-52403892-T-C. GRCh37 (hg19) VCF-style: chr3-52437908-T-C.
Other names: short protein forms Y418C.
Identifiers: ClinVar variation 569477 (VCV000569477.31), dbSNP rs773947541, ClinGen allele CA2436840.

ClinVar aggregate classification (germline): Conflicting classifications of pathogenicity. Review status: criteria provided, conflicting classifications (1 of 4 stars). 7 submissions from 7 submitters: Uncertain significance (5); Likely benign (2). Last evaluated 2025-12-02.

Conditions:
Hereditary cancer-predisposing syndrome. Also called: Neoplastic Syndromes, Hereditary; Hereditary Cancer Syndrome; Hereditary neoplastic syndrome; Tumor predisposition. Identifiers: Orphanet 140162, MedGen C0027672, MeSH D009386, MONDO:0015356.
BAP1-related tumor predisposition syndrome (TPDS1). Also called: COMMON Syndrome; TUMOR PREDISPOSITION SYNDROME 1; BAP1 tumor predisposition syndrome; Tumor susceptibility linked to germline BAP1 mutations. Identifiers: Orphanet 289539, MedGen C3280492, MONDO:0013692, OMIM 614327.

Allele frequency attached by ClinVar (database versions not stated): gnomAD exomes 0.00005 and 0.00001; gnomAD 0.00001; ExAC 0.00002; TOPMed below 0.00001.

Submissions (7):

Labcorp Genetics (formerly Invitae), Labcorp
Classification: Uncertain significance for BAP1-related tumor predisposition syndrome. Last evaluated: 2025-12-02. Review status: criteria provided, single submitter. Criteria: Invitae Variant Classification Sherloc (09022015). Collection method: clinical testing. Allele origin: germline.
Comment: This sequence change replaces tyrosine, which is neutral and polar, with cysteine, which is neutral and slightly polar, at codon 418 of the BAP1 protein (p.Tyr418Cys). This variant is present in population databases (rs773947541, gnomAD 0.006%). This missense change has been observed in individual(s) with melanoma (PMID: 28062663). ClinVar contains an entry for this variant (Variation ID: 569477). An algorithm developed to predict the effect of missense changes on protein structure and function (PolyPhen-2) suggests that this variant is likely to be disruptive. In summary, the available evidence is currently insufficient to determine the role of this variant in disease. Therefore, it has been classified as a Variant of Uncertain Significance.

Ambry Genetics
Classification: Likely benign for Hereditary cancer-predisposing syndrome. Last evaluated: 2025-07-08. Review status: criteria provided, single submitter. Criteria: Ambry Variant Classification Scheme 2023. Collection method: clinical testing. Allele origin: germline.

Dasa
Classification: Uncertain significance. Last evaluated: 2025-06-25. Review status: criteria provided, single submitter. Criteria: DASA Assertion Criteria. Collection method: clinical testing. Allele origin: germline.
Comment: NM_004656.4(BAP1):c.1253A>G (p.Tyr418Cys) is a missense variant that results in the substitution of tyrosine with cysteine. This variant is rare in population databases. Computational prediction algorithms are consistent with a benign effect. The currently available literature and clinical evidence are not sufficient to establish a definitive association between this variant and the reported condition. Therefore, this variant is classified as a variant of uncertain significance.

Color Diagnostics, LLC DBA Color Health
Classification: Uncertain significance for Hereditary cancer-predisposing syndrome. Last evaluated: 2025-01-13. Review status: criteria provided, single submitter. Criteria: ACMG Guidelines, 2015. Collection method: clinical testing. Allele origin: germline.
Comment: This missense variant replaces tyrosine with cysteine at codon 418 of the BAP1 protein. Computational prediction is inconclusive regarding the impact of this variant on protein structure and function. Functional studies have shown that this variant has no significant impact in deubiquitinase assays (PMID: 28062663). This variant has been reported in individuals affected with melanoma (PMID: 28062663). This variant has been identified in 3/251194 chromosomes in the general population by the Genome Aggregation Database (gnomAD). The available evidence is insufficient to determine the role of this variant in disease conclusively. Therefore, this variant is classified as a Variant of Uncertain Significance.

GeneDx
Classification: Uncertain significance. Last evaluated: 2024-11-13. Review status: criteria provided, single submitter. Criteria: GeneDx Variant Classification Process June 2021. Collection method: clinical testing. Allele origin: germline.
Comment: Not observed at significant frequency in large population cohorts (gnomAD); In silico analysis supports that this missense variant does not alter protein structure/function; Observed in an individual with melanoma (PMID: 28062663); This variant is associated with the following publications: (PMID: 28062663)

Myriad Genetics, Inc.
Classification: Likely benign for BAP1-related tumor predisposition syndrome. Last evaluated: 2024-07-16. Review status: criteria provided, single submitter. Criteria: Myriad Autosomal Dominant, Autosomal Recessive and X-Linked Classification Criteria (2023). Collection method: clinical testing. Allele origin: unknown.
Comment: This variant is considered likely benign. This variant has been observed at a population frequency that is significantly greater than expected given the associated disease prevalence and penetrance.

Baylor Genetics
Classification: Uncertain significance for BAP1-related tumor predisposition syndrome. Last evaluated: 2024-02-26. Review status: criteria provided, single submitter. Criteria: ACMG Guidelines, 2015. Collection method: clinical testing. Allele origin: unknown.

Literature cited by the submitters: PubMed 28062663 (cited by 3 submitters); PubMed 38969833 (cited by Ambry Genetics).